The following is an entry in ClinVar:

NM_031407.7(HUWE1):c.3098A>C (p.Lys1033Thr)

Gene: HUWE1 (HECT, UBA and WWE domain containing E3 ubiquitin protein ligase 1; minus strand). Cytogenetic location: Xp11.22.
Variant type: single nucleotide variant.
Coding change: c.3098A>C on transcript NM_031407.7 (MANE Select); coding-DNA position 3098, A replaced by C.
Protein change: p.Lys1033Thr; replaces lysine 1033 with threonine.
Molecular consequence: missense variant.
Genome position (GRCh38, 1-based): chrX:53,600,183, T>G on the plus strand (A>C on the coding strand, the complement: HUWE1 is on the minus strand). VCF-style: chrX-53600183-T-G. GRCh37 (hg19) VCF-style: chrX-53627143-T-G.
Other names: short protein forms K1033T.
Identifiers: ClinVar variation 3700298 (VCV003700298.2).

ClinVar aggregate classification (germline): Uncertain significance (1 of 4 stars; one submission).

gnomAD v4.1: 27 of 1,209,731 alleles (0.0022%); highest among the groups gnomAD compares: Non-Finnish European, 0.003%; no homozygotes.

Submission:

Labcorp Genetics (formerly Invitae), Labcorp
Classification: Uncertain significance. Last evaluated: 2024-10-12. Review status: criteria provided, single submitter. Criteria: Invitae Variant Classification Sherloc (09022015). Collection method: clinical testing. Allele origin: germline.
Comment: This sequence change replaces lysine, which is basic and polar, with threonine, which is neutral and polar, at codon 1033 of the HUWE1 protein (p.Lys1033Thr). This variant is present in population databases (no rsID available, gnomAD 0.009%), including at least one homozygous and/or hemizygous individual. This variant has not been reported in the literature in individuals affected with HUWE1-related conditions. Invitae Evidence Modeling of protein sequence and biophysical properties (such as structural, functional, and spatial information, amino acid conservation, physicochemical variation, residue mobility, and thermodynamic stability) has been performed for this missense variant. However, the output from this modeling did not meet the statistical confidence thresholds required to predict the impact of this variant on HUWE1 protein function. In summary, the available evidence is currently insufficient to determine the role of this variant in disease. Therefore, it has been classified as a Variant of Uncertain Significance.